The following is an entry in ClinVar:

NM_002336.3(LRP6):c.1649G>A (p.Trp550Ter)

Gene: LRP6 (LDL receptor related protein 6; minus strand). Cytogenetic location: 12p13.2.
Variant type: single nucleotide variant.
Coding change: c.1649G>A on transcript NM_002336.3 (MANE Select); coding-DNA position 1649, G replaced by A.
Protein change: p.Trp550Ter; replaces tryptophan 550 with a stop codon.
Molecular consequence: nonsense. On other transcripts: non-coding transcript variant (1), intron variant (1).
Genome position (GRCh38, 1-based): chr12:12,165,192, C>T on the plus strand (G>A on the coding strand, the complement: LRP6 is on the minus strand). VCF-style: chr12-12165192-C-T. GRCh37 (hg19) VCF-style: chr12-12318126-C-T.
Other names: c.1649G>A, p.Trp550Ter (NM_001414244.1, NM_001414245.1, NM_001414246.1 and 4 more transcripts); c.1451G>A, p.Trp484Ter (NM_001414247.1); c.1196G>A, p.Trp399Ter (NM_001414252.1, NM_001414253.1, NM_001414254.1); c.1546-2773G>A (NM_001414255.1); short protein forms W399*, W484*, W550*.
Identifiers: ClinVar variation 3658012 (VCV003658012.2).

ClinVar aggregate classification (germline): Pathogenic (1 of 4 stars; one submission).

Submission:

Labcorp Genetics (formerly Invitae), Labcorp
Classification: Pathogenic. Last evaluated: 2024-06-26. Review status: criteria provided, single submitter. Criteria: Invitae Variant Classification Sherloc (09022015). Collection method: clinical testing. Allele origin: germline.
Comment: This sequence change creates a premature translational stop signal (p.Trp550*) in the LRP6 gene. It is expected to result in an absent or disrupted protein product. Loss-of-function variants in LRP6 are known to be pathogenic (PMID: 26387593). This variant is not present in population databases (gnomAD no frequency). This variant has not been reported in the literature in individuals affected with LRP6-related conditions. For these reasons, this variant has been classified as Pathogenic.

Literature cited by the submitters: PubMed 26387593.